The following is an entry in ClinVar:

NM_015570.4(AUTS2):c.149C>A (p.Ser50Ter)

Genes: AUTS2 (activator of transcription and developmental regulator AUTS2; plus strand), CT66 (cancer/testis associated transcript 66; minus strand). Cytogenetic location: 7q11.22.
Variant type: single nucleotide variant.
Coding change: c.149C>A on transcript NM_015570.4 (MANE Select); coding-DNA position 149, C replaced by A.
Protein change: p.Ser50Ter; replaces serine 50 with a stop codon.
Molecular consequence: nonsense.
Genome position (GRCh38, 1-based): chr7:69,599,802, C>A. VCF-style: chr7-69599802-C-A. GRCh37 (hg19) VCF-style: chr7-69064788-C-A.
Other names: c.149C>A, p.Ser50Ter (NM_001127231.3, NM_001127232.3); short protein forms S50*.
Identifiers: ClinVar variation 391589 (VCV000391589.5), dbSNP rs775225727, ClinGen allele CA16605888.

ClinVar aggregate classification (germline): Pathogenic. Review status: criteria provided, multiple submitters, no conflicts (2 of 4 stars). 2 submissions from 2 submitters: Pathogenic (2). Last evaluated 2024-02-29.

Conditions:
Autism spectrum disorder due to AUTS2 deficiency (MRD26). Also called: INTELLECTUAL DEVELOPMENTAL DISORDER, AUTOSOMAL DOMINANT 26. Identifiers: Orphanet 352490, MedGen C4014435, MONDO:0014361, OMIM 615834.

Submissions (2):

GeneDx
Classification: Pathogenic. Last evaluated: 2024-02-29. Review status: criteria provided, single submitter. Criteria: GeneDx Variant Classification Process June 2021. Collection method: clinical testing. Allele origin: germline. Affected: yes.
Comment: Nonsense variant predicted to result in protein truncation or nonsense mediated decay in a gene for which loss of function is a known mechanism of disease; Not observed at significant frequency in large population cohorts (gnomAD); Has not been previously published as pathogenic or benign to our knowledge

Institute of Medical Genetics and Applied Genomics, University Hospital Tübingen
Classification: Pathogenic for Autism spectrum disorder due to AUTS2 deficiency. Last evaluated: 2022-12-02. Review status: criteria provided, single submitter. Criteria: ACMG Guidelines, 2015. Collection method: clinical testing. Allele origin: germline. Inheritance: Autosomal dominant inheritance. Affected: yes.